The following is an entry in ClinVar:

ClinVar aggregate classification (germline): Likely benign (1 of 4 stars; one submission).

gnomAD v4.1: 47 of 1,550,420 alleles (0.003%); highest among the groups gnomAD compares: South Asian, 0.054%; no homozygotes.

Submission:

Mayo Clinic Laboratories, Mayo Clinic
Classification: Likely benign. Last evaluated: 2025-04-09. Review status: criteria provided, single submitter. Criteria: ACMG Guidelines, 2015. Collection method: clinical testing. Allele origin: germline. Observed: 1 variant allele.
Comment: BP4, BP7

NM_139057.4(ADAMTS17):c.79+6G>A

Gene: ADAMTS17 (ADAM metallopeptidase with thrombospondin type 1 motif 17; minus strand). Cytogenetic location: 15q26.3.
Variant type: single nucleotide variant.
Coding change: c.79+6G>A on transcript NM_139057.4 (MANE Select); 6 bases into the intron after coding-DNA position 79, G replaced by A.
Molecular consequence: intron variant.
Genome position (GRCh38, 1-based): chr15:100,341,815, C>T on the plus strand (G>A on the coding strand, the complement: ADAMTS17 is on the minus strand). VCF-style: chr15-100341815-C-T. GRCh37 (hg19) VCF-style: chr15-100882020-C-T.
Other names: p.?.
Identifiers: ClinVar variation 4684034 (VCV004684034.1).